The following is an entry in ClinVar:

ClinVar aggregate classification (germline): Uncertain significance (1 of 4 stars; one submission).

Conditions:
Hypertrophic cardiomyopathy. Also called: HYPERTROPHIC MYOCARDIOPATHY. Identifiers: Orphanet 217569, MedGen C0007194, MeSH D002312, MONDO:0005045, HP:0001639.

Submission:

Labcorp Genetics (formerly Invitae), Labcorp
Classification: Uncertain significance for Hypertrophic cardiomyopathy. Last evaluated: 2016-10-18. Review status: criteria provided, single submitter. Criteria: Invitae Variant Classification Sherloc (09022015). Collection method: clinical testing. Allele origin: germline.
Comment: Nucleotide substitutions within the consensus splice site are relatively common causes of aberrant splicing (PMID: 17576681, 9536098). Algorithms developed to predict the effect of nucleotide changes on RNA splicing suggest that this variant may alter RNA splicing, but this prediction has not been confirmed by published transcriptional studies. This variant is not present in population databases (ExAC no frequency). This sequence change falls in intron 24 of the MYBPC3 gene. It does not directly change the encoded amino acid sequence of the MYBPC3 protein, but it affects nucleotides within the consensus splice site of the intron. In summary, this variant is a novel intronic change with uncertain impact on splicing. It has been classified as a Variant of Uncertain Significance.

Literature cited by the submitters: PubMed 17576681; PubMed 9536098.

NM_000256.3(MYBPC3):c.2413+3_2413+5del

Gene: MYBPC3 (myosin binding protein C3; minus strand). Cytogenetic location: 11p11.2.
Variant type: Deletion.
Coding change: c.2413+3_2413+5del on transcript NM_000256.3 (MANE Select); bases 3 to 5 of the intron after coding-DNA position 2413, 3 bases deleted (GAG; older notation c.2413+3_2413+5delGAG).
Molecular consequence: intron variant.
Genome position (GRCh38, 1-based): chr11:47,337,685-47,337,687, CTC deleted on the plus strand (GAG on the coding strand, the reverse complement: MYBPC3 is on the minus strand). VCF-style (leftmost placement, unchanged base first): chr11-47337684-ACTC-A. GRCh37 (hg19) VCF-style: chr11-47359235-ACTC-A.
Other names: c.2413+3_2413+5del (LRG_386t1); c.2413+3_2413+5delGAG (NM_000256.3).
Identifiers: ClinVar variation 407325 (VCV000407325.8), dbSNP rs1060501482, ClinGen allele CA16613583.